The following is an entry in ClinVar:

ClinVar aggregate classification (germline): Uncertain significance (1 of 4 stars; one submission).

gnomAD v4.1: 17 of 1,614,126 alleles (0.0011%); highest among the groups gnomAD compares: East Asian, 0.0089%; no homozygotes.

Submission:

Labcorp Genetics (formerly Invitae), Labcorp
Classification: Uncertain significance. Last evaluated: 2025-09-10. Review status: criteria provided, single submitter. Criteria: Invitae Variant Classification Sherloc (09022015). Collection method: clinical testing. Allele origin: germline.
Comment: This sequence change replaces proline, which is neutral and non-polar, with leucine, which is neutral and non-polar, at codon 223 of the AP3D1 protein (p.Pro223Leu). This variant is present in population databases (rs571513580, gnomAD 0.006%). This variant has not been reported in the literature in individuals affected with AP3D1-related conditions. An algorithm developed to predict the effect of missense changes on protein structure and function (PolyPhen-2) suggests that this variant is likely to be disruptive. In summary, the available evidence is currently insufficient to determine the role of this variant in disease. Therefore, it has been classified as a Variant of Uncertain Significance.

NM_001261826.3(AP3D1):c.668C>T (p.Pro223Leu)

Gene: AP3D1 (adaptor related protein complex 3 subunit delta 1; minus strand). Cytogenetic location: 19p13.3.
Variant type: single nucleotide variant.
Coding change: c.668C>T on transcript NM_001261826.3 (MANE Select); coding-DNA position 668, C replaced by T.
Protein change: p.Pro223Leu; replaces proline 223 with leucine.
Molecular consequence: missense variant.
Genome position (GRCh38, 1-based): chr19:2,129,382, G>A on the plus strand (C>T on the coding strand, the complement: AP3D1 is on the minus strand). VCF-style: chr19-2129382-G-A. GRCh37 (hg19) VCF-style: chr19-2129381-G-A.
Other names: c.668C>T, p.Pro223Leu (NM_001374799.1, NM_003938.8); short protein forms P223L.
Identifiers: ClinVar variation 4701558 (VCV004701558.1).